The following is an entry in ClinVar:

NM_001267550.2(TTN):c.11311+5180C>A

Genes: TTN (titin; minus strand), LOC126806432 (CDK7 strongly-dependent group 2 enhancer GRCh37_chr2:179611985-179613184; plus strand). Cytogenetic location: 2q31.2.
Variant type: single nucleotide variant.
Coding change: c.11311+5180C>A on transcript NM_001267550.2 (MANE Select); 5180 bases into the intron after coding-DNA position 11311, C replaced by A.
Molecular consequence: intron variant. On other transcripts: missense variant (1).
Genome position (GRCh38, 1-based): chr2:178,747,944, G>T on the plus strand (C>A on the coding strand, the complement: TTN is on the minus strand). VCF-style: chr2-178747944-G-T. GRCh37 (hg19) VCF-style: chr2-179612671-G-T.
Other names: c.14456C>A, p.Ala4819Asp (NM_133379.5); c.10222+5180C>A (NM_003319.4); c.10798+5180C>A (NM_133437.4); c.10597+5180C>A (NM_133432.3); c.10360+5180C>A (NM_133378.4, NM_001256850.1); short protein forms A4819D.
Identifiers: ClinVar variation 4987735 (VCV004987735.1).
Genomic context (GRCh38, chr2:178,747,944, plus strand): 5'-TCTTCAGTCATCAAGAGTGGGAAGCACTGACTCAGGGAGAGCTGTCTATGGAGTGTGTCA[G>T]CTTCCTGAACATCACCTCTGTGGTCTTCCAAAGTGGCATCTGTATATTCCTGTGTCCCAC-3'

ClinVar aggregate classification (germline): Uncertain significance (1 of 4 stars; one submission).

Conditions:
TTN-related disorder. Also called: TTN-related disorders; TTN-related condition; TTN-related disease.

gnomAD v4.1: 10 of 1,612,944 alleles (0.00062%); highest among the groups gnomAD compares: African/African-American, 0.0013%; no homozygotes.

Submission:

PreventionGenetics, part of Exact Sciences
Classification: Uncertain significance for TTN-related condition. Last evaluated: 2025-12-30. Review status: criteria provided, single submitter. Criteria: ACMG Guidelines, 2015. Collection method: clinical testing. Allele origin: germline.
Comment: The TTN c.11311+5180C>A variant is predicted to interfere with splicing. Of note, this variant is also referred to as c.14456C>A (p.Ala4819Asp), located in exon 46 of the alternative Novex-3 transcript NM_133379 (minor small cardiac isoform). This exon is not included in any other TTN transcripts (principle cardiac or skeletal muscle isoforms). To our knowledge, this variant has not been reported in the literature. This variant is reported in 0.0040% of alleles in individuals of African descent in gnomAD. At this time, the clinical significance of this variant is uncertain due to the absence of conclusive functional and genetic evidence.